The following is an entry in ClinVar:

NM_170606.3(KMT2C):c.451A>C (p.Lys151Gln)

Gene: KMT2C (lysine methyltransferase 2C; minus strand). Cytogenetic location: 7q36.1.
Variant type: single nucleotide variant.
Coding change: c.451A>C on transcript NM_170606.3 (MANE Select); coding-DNA position 451, A replaced by C.
Protein change: p.Lys151Gln; replaces lysine 151 with glutamine.
Molecular consequence: missense variant.
Genome position (GRCh38, 1-based): chr7:152,315,277, T>G on the plus strand (A>C on the coding strand, the complement: KMT2C is on the minus strand). VCF-style: chr7-152315277-T-G. GRCh37 (hg19) VCF-style: chr7-152012362-T-G.
Other names: short protein forms K151Q.
Identifiers: ClinVar variation 3692995 (VCV003692995.2).

ClinVar aggregate classification (germline): Uncertain significance (1 of 4 stars; one submission).

Submission:

Labcorp Genetics (formerly Invitae), Labcorp
Classification: Uncertain significance. Last evaluated: 2024-07-31. Review status: criteria provided, single submitter. Criteria: Invitae Variant Classification Sherloc (09022015). Collection method: clinical testing. Allele origin: germline.
Comment: This sequence change replaces lysine, which is basic and polar, with glutamine, which is neutral and polar, at codon 151 of the KMT2C protein (p.Lys151Gln). This variant is not present in population databases (gnomAD no frequency). This variant has not been reported in the literature in individuals affected with KMT2C-related conditions. Advanced modeling of protein sequence and biophysical properties (such as structural, functional, and spatial information, amino acid conservation, physicochemical variation, residue mobility, and thermodynamic stability) performed at Invitae indicates that this missense variant is not expected to disrupt KMT2C protein function with a negative predictive value of 80%. In summary, the available evidence is currently insufficient to determine the role of this variant in disease. Therefore, it has been classified as a Variant of Uncertain Significance.